The following is an entry in ClinVar:

ClinVar aggregate classification (germline): Uncertain significance (1 of 4 stars; one submission).

Submission:

Labcorp Genetics (formerly Invitae), Labcorp
Classification: Uncertain significance. Last evaluated: 2025-07-28. Review status: criteria provided, single submitter. Criteria: Invitae Variant Classification Sherloc (09022015). Collection method: clinical testing. Allele origin: germline.
Comment: This sequence change replaces histidine, which is basic and polar, with glutamine, which is neutral and polar, at codon 279 of the NACC1 protein (p.His279Gln). This variant is not present in population databases (gnomAD no frequency). This variant has not been reported in the literature in individuals affected with NACC1-related conditions. ClinVar contains an entry for this variant (Variation ID: 2695411). Invitae Evidence Modeling of protein sequence and biophysical properties (such as structural, functional, and spatial information, amino acid conservation, physicochemical variation, residue mobility, and thermodynamic stability) indicates that this missense variant is not expected to disrupt NACC1 protein function with a negative predictive value of 80%. In summary, the available evidence is currently insufficient to determine the role of this variant in disease. Therefore, it has been classified as a Variant of Uncertain Significance.

NM_052876.4(NACC1):c.837C>A (p.His279Gln)

Gene: NACC1 (nucleus accumbens associated 1; plus strand). Cytogenetic location: 19p13.13.
Variant type: single nucleotide variant.
Coding change: c.837C>A on transcript NM_052876.4 (MANE Select); coding-DNA position 837, C replaced by A.
Protein change: p.His279Gln; replaces histidine 279 with glutamine.
Molecular consequence: missense variant.
Genome position (GRCh38, 1-based): chr19:13,136,044, C>A. VCF-style: chr19-13136044-C-A. GRCh37 (hg19) VCF-style: chr19-13246858-C-A.
Other names: short protein forms H279Q.
Identifiers: ClinVar variation 2695411 (VCV002695411.3), dbSNP rs2513136291, ClinGen allele CA404326553.